The following is an entry in ClinVar:

NM_138713.4(NFAT5):c.2810C>T (p.Thr937Ile)

Gene: NFAT5 (nuclear factor of activated T cells 5; plus strand). Cytogenetic location: 16q22.1.
Variant type: single nucleotide variant.
Coding change: c.2810C>T on transcript NM_138713.4 (MANE Select); coding-DNA position 2810, C replaced by T.
Protein change: p.Thr937Ile; replaces threonine 937 with isoleucine.
Molecular consequence: missense variant.
Genome position (GRCh38, 1-based): chr16:69,692,635, C>T. VCF-style: chr16-69692635-C-T. GRCh37 (hg19) VCF-style: chr16-69726538-C-T.
Other names: c.2807C>T, p.Thr936Ile (NM_001113178.3); c.2135C>T, p.Thr712Ile (NM_001367709.1); c.2756C>T, p.Thr919Ile (NM_006599.4); c.2528C>T, p.Thr843Ile (NM_138714.4, NM_173214.3, NM_173215.3); short protein forms T712I, T937I, T843I, T919I, T936I.
Identifiers: ClinVar variation 1947857 (VCV001947857.5), dbSNP rs770624275, ClinGen allele CA8135807.
Genomic context (GRCh38, chr16:69,692,635, plus strand): 5'-AGATGCAACAGAGTATCTGCCAGGCAGCTGCCCAGATTCAGTCAGAGTTATTCCCTTCAA[C>T]TGCTTCAGCAAATGGAAACCTTCAGCAATCGCCAGTTTACCAGCAGACTTCTCACATGAT-3'
Protein context (NP_619727.2, residues 927-947): AQIQSELFPS[Thr937Ile]ASANGNLQQS

ClinVar aggregate classification (germline): Uncertain significance (1 of 4 stars; one submission).

Conditions:
Immunodeficiency. Identifiers: MedGen C0021051, MONDO:0021094, HP:0002721.

Allele frequency attached by ClinVar (database versions not stated): ExAC 0.00001; gnomAD exomes 0.00001.
gnomAD v4.1: 3 of 1,614,266 alleles (0.00019%); highest among the groups gnomAD compares: Admixed American, 0.005%; no homozygotes.

Submission:

Labcorp Genetics (formerly Invitae), Labcorp
Classification: Uncertain significance for Immunodeficiency. Last evaluated: 2024-11-03. Review status: criteria provided, single submitter. Criteria: Invitae Variant Classification Sherloc (09022015). Collection method: clinical testing. Allele origin: germline.
Comment: This sequence change replaces threonine, which is neutral and polar, with isoleucine, which is neutral and non-polar, at codon 843 of the NFAT5 protein (p.Thr843Ile). This variant is present in population databases (rs770624275, gnomAD 0.003%). This variant has not been reported in the literature in individuals affected with NFAT5-related conditions. ClinVar contains an entry for this variant (Variation ID: 1947857). An algorithm developed to predict the effect of missense changes on protein structure and function (PolyPhen-2) suggests that this variant is likely to be tolerated. In summary, the available evidence is currently insufficient to determine the role of this variant in disease. Therefore, it has been classified as a Variant of Uncertain Significance.